The following is an entry in ClinVar:

ClinVar aggregate classification (germline): Uncertain significance (1 of 4 stars; one submission).

Allele frequency attached by ClinVar (database versions not stated): gnomAD exomes 0.00001.
gnomAD v4.1: 3 of 1,613,718 alleles (0.00019%); highest among the groups gnomAD compares: Admixed American, 0.005%; no homozygotes.

Submission:

Labcorp Genetics (formerly Invitae), Labcorp
Classification: Uncertain significance. Last evaluated: 2022-03-28. Review status: criteria provided, single submitter. Criteria: Invitae Variant Classification Sherloc (09022015). Collection method: clinical testing. Allele origin: germline.
Comment: This variant is present in population databases (no rsID available, gnomAD 0.006%). This sequence change replaces isoleucine, which is neutral and non-polar, with threonine, which is neutral and polar, at codon 577 of the ADGRV1 protein (p.Ile577Thr). This variant has not been reported in the literature in individuals affected with ADGRV1-related conditions. In summary, the available evidence is currently insufficient to determine the role of this variant in disease. Therefore, it has been classified as a Variant of Uncertain Significance. Algorithms developed to predict the effect of missense changes on protein structure and function output the following: SIFT: "Tolerated"; PolyPhen-2: "Benign"; Align-GVGD: "Class C0". The threonine amino acid residue is found in multiple mammalian species, which suggests that this missense change does not adversely affect protein function.

NM_032119.4(ADGRV1):c.1730T>C (p.Ile577Thr)

Gene: ADGRV1 (adhesion G protein-coupled receptor V1; plus strand). Cytogenetic location: 5q14.3.
Variant type: single nucleotide variant.
Coding change: c.1730T>C on transcript NM_032119.4 (MANE Select); coding-DNA position 1730, T replaced by C.
Protein change: p.Ile577Thr; replaces isoleucine 577 with threonine.
Molecular consequence: missense variant. On other transcripts: non-coding transcript variant (1).
Genome position (GRCh38, 1-based): chr5:90,629,430, T>C. VCF-style: chr5-90629430-T-C. GRCh37 (hg19) VCF-style: chr5-89925247-T-C.
Other names: short protein forms I577T.
Identifiers: ClinVar variation 2109709 (VCV002109709.4), dbSNP rs1458313406, ClinGen allele CA360375406.